The following is an entry in ClinVar:

NM_001042492.3(NF1):c.1260+1847A>C

Gene: NF1 (neurofibromin 1; plus strand). Cytogenetic location: 17q11.2.
Variant type: single nucleotide variant.
Coding change: c.1260+1847A>C on transcript NM_001042492.3 (MANE Select); 1847 bases into the intron after coding-DNA position 1260, A replaced by C.
Molecular consequence: intron variant.
Genome position (GRCh38, 1-based): chr17:31,203,332, A>C. VCF-style: chr17-31203332-A-C. GRCh37 (hg19) VCF-style: chr17-29530350-A-C.
Other names: c.1260+1847A>C (NM_000267.4, NM_001128147.3).
Identifiers: ClinVar variation 561757 (VCV000561757.1), dbSNP rs1013946, ClinGen allele CA289350583.

ClinVar aggregate classification (germline): Benign (1 of 4 stars; one submission).

Allele frequency attached by ClinVar (database versions not stated): 1000 Genomes Project 30x 0.51093; 1000 Genomes Project 0.51757; TOPMed 0.56183; gnomAD 0.57226 and 0.57570.
gnomAD v4.1: 87,810 of 152,068 alleles (58%); highest among the groups gnomAD compares: Middle Eastern, 79%; 27,484 homozygotes.

Submission:

GeneDx
Classification: Benign. Last evaluated: 2018-06-14. Review status: criteria provided, single submitter. Criteria: GeneDx Variant Classification (06012015). Collection method: clinical testing. Allele origin: germline. Affected: yes.
Comment: This variant is considered likely benign or benign based on one or more of the following criteria: it is a conservative change, it occurs at a poorly conserved position in the protein, it is predicted to be benign by multiple in silico algorithms, and/or has population frequency not consistent with disease.